The following is an entry in ClinVar:

NM_002618.4(PEX13):c.806G>C (p.Ser269Thr)

Gene: PEX13 (peroxisomal biogenesis factor 13; plus strand). Cytogenetic location: 2p15.
Variant type: single nucleotide variant.
Coding change: c.806G>C on transcript NM_002618.4 (MANE Select); coding-DNA position 806, G replaced by C.
Protein change: p.Ser269Thr; replaces serine 269 with threonine.
Molecular consequence: missense variant.
Genome position (GRCh38, 1-based): chr2:61,045,744, G>C. VCF-style: chr2-61045744-G-C. GRCh37 (hg19) VCF-style: chr2-61272879-G-C.
Other names: short protein forms S269T.
Identifiers: ClinVar variation 1352201 (VCV001352201.5), dbSNP rs2104812693, ClinGen allele CA346948137.

ClinVar aggregate classification (germline): Uncertain significance (1 of 4 stars; one submission).

Conditions:
Peroxisome biogenesis disorder 11A (Zellweger). Also called: Peroxisome biogenesis disorder 11A. Identifiers: Orphanet 912, MedGen C3554000, MONDO:0013949, OMIM 614883.

Submission:

Labcorp Genetics (formerly Invitae), Labcorp
Classification: Uncertain significance for Peroxisome biogenesis disorder 11A (Zellweger). Last evaluated: 2022-05-06. Review status: criteria provided, single submitter. Criteria: Invitae Variant Classification Sherloc (09022015). Collection method: clinical testing. Allele origin: germline.
Comment: This sequence change replaces serine, which is neutral and polar, with threonine, which is neutral and polar, at codon 269 of the PEX13 protein (p.Ser269Thr). This variant is not present in population databases (gnomAD no frequency). This variant has not been reported in the literature in individuals affected with PEX13-related conditions. Algorithms developed to predict the effect of missense changes on protein structure and function (SIFT, PolyPhen-2, Align-GVGD) all suggest that this variant is likely to be tolerated. In summary, the available evidence is currently insufficient to determine the role of this variant in disease. Therefore, it has been classified as a Variant of Uncertain Significance.